The following is an entry in ClinVar:

ClinVar aggregate classification (germline): Pathogenic. Review status: reviewed by expert panel (3 of 4 stars). 13 submissions from 13 submitters: Pathogenic (1). 12 of the submissions do not count toward it. Last evaluated 2025-01-09.

Conditions:
Muscular dystrophy, limb-girdle, autosomal dominant 4. Also called: Calpain-3-related limb-girdle muscular dystrophy D4; MUSCULAR DYSTROPHY, LIMB-GIRDLE, TYPE 1I. Identifiers: Orphanet 565909, MedGen C4748295, MONDO:0029133, OMIM 618129.
Autosomal recessive limb-girdle muscular dystrophy. Identifiers: Orphanet 102015, MedGen C2931907, MONDO:0015152.
Autosomal recessive limb-girdle muscular dystrophy type 2A (LGMDR1). Also called: Limb-girdle muscular dystrophy, type 2A; Calpainopathy; LEYDEN-MOEBIUS MUSCULAR DYSTROPHY; MUSCULAR DYSTROPHY, PELVOFEMORAL; Muscular dystrophy, limb-girdle, type 2A, Amish. Identifiers: Orphanet 267, MedGen C1869123, MONDO:0009675, OMIM 253600. Disease mechanism: loss of function.
Abnormality of the musculature. Identifiers: MedGen C4021745, HP:0003011.

Allele frequency attached by ClinVar (database versions not stated): gnomAD exomes 0.00001.
gnomAD v4.1: 13 of 1,614,154 alleles (0.00081%); highest among the groups gnomAD compares: Non-Finnish European, 0.001%; no homozygotes.

Submissions 1 to 9 of 13:

ClinGen Limb Girdle Muscular Dystrophy Variant Curation Expert Panel, ClinGen
Classification: Pathogenic for Autosomal recessive limb-girdle muscular dystrophy. Last evaluated: 2025-01-09. Review status: reviewed by expert panel. Criteria: ClinGen LGMD VCEP ACMG Specifications CAPN3 V1.0.0. Collection method: curation. Allele origin: germline. Inheritance: Autosomal recessive inheritance.
Comment: The NM_000070.3: c.146G>A variant in CAPN3 is a missense variant predicted to cause substitution of arginine by histidine at amino acid 49 (p.Arg49His). This variant has been detected in at least six unrelated individuals with limb girdle muscular dystrophy (PMID: 16650086, 17318636, 25135358; ClinVar SCV003459936.1 internal data communication, ClinVar SCV001164521.1 internal data communication), including in a homozygous state in one individual (ClinVar SCV001164521.1 internal data communication, 0.5 pts), confirmed in trans with a pathogenic variant (c.967G>T p.(Glu323Ter), 1.0 pt, PMID: 17318636), and confirmed in trans with two variants not yet curated by the VCEP and considered VUS (0.5 pts) (PM3_Strong). At least one patient with this variant displayed progressive limb girdle muscle weakness as well as absent expression of calpain-3, which is highly specific for CAPN3-related LGMD (PP4_Strong; PMID: 16650086). This variant is absent from gnomAD v2.1.1 and v3.1.2 (PM2_Supporting). The computational predictor REVEL gives a score of 0.84, which exceeds the VCEP threshold of ≥0.70, evidence that correlates with impact to CAPN3 function (PP3). In summary, this variant meets the criteria to be classified as Pathogenic for autosomal recessive limb girdle muscular dystrophy based on the ACMG/AMP criteria applied, as specified by the ClinGen LGMD VCEP (LGMD VCEP specifications version 1.0.0; 01/09/2025): PM3_Strong, PP4_Strong, PM2_Supporting, PP3.

Genetic Diseases Diagnostic Center, Koc University Hospital
Classification: Pathogenic for Autosomal recessive limb-girdle muscular dystrophy type 2A. Last evaluated: 2026-02-20. Review status: criteria provided, single submitter. Criteria: ACMG Guidelines, 2015. Collection method: clinical testing. Allele origin: germline. Inheritance: Autosomal recessive inheritance. Affected: yes. Not counted in ClinVar's aggregate classification.
Comment: The c.146G>A (p.Arg49His) variant in CAPN3 results in the substitution of a conserved arginine at position 49 with histidine in the N‑terminal NS region of calpain‑3, a muscle‑specific calcium‑activated cysteine protease implicated in autosomal recessive limb‑girdle muscular dystrophy type 2A (LGMD2A). This residue lies within the short N‑terminal regulatory domain of calpain‑3, which is important for proper protein function despite relatively low overall sequence conservation in this region. Missense changes at this codon (p.Arg49Cys and p.Arg49His) are reported among recurrent CAPN3 mutations in LGMD2A cohorts, indicating that this position is functionally important (PMID: 16100770, 16411092, 16650086, 17318636,16650086, 19364062). The current ClinVar record is VCV000217151.42. The c.146G>A (p.Arg49His, rs863224958) variant in CAPN3 is a missense change located in exon 1 of the gene, with a reported gnomAD allele frequency of 0.000880% and no homozygous individuals observed; available computational predictions include CADD=29.5 and REVEL=0.773. This variant is reported as pathogenic and with the ACMG criteria: PM2, PM5, PP2, PP3, PP5.

Labcorp Genetics (formerly Invitae), Labcorp
Classification: Pathogenic for Autosomal recessive limb-girdle muscular dystrophy type 2A. Last evaluated: 2025-11-20. Review status: criteria provided, single submitter. Criteria: Invitae Variant Classification Sherloc (09022015). Collection method: clinical testing. Allele origin: germline. Not counted in ClinVar's aggregate classification.
Comment: This sequence change replaces arginine, which is basic and polar, with histidine, which is basic and polar, at codon 49 of the CAPN3 protein (p.Arg49His). This variant is not present in population databases (gnomAD no frequency). This missense change has been observed in individuals with autosomal recessive limb-girdle muscular dystrophy (PMID: 16650086, 17318636, 25135358; internal data). ClinVar contains an entry for this variant (Variation ID: 217151). Invitae Evidence Modeling of protein sequence and biophysical properties (such as structural, functional, and spatial information, amino acid conservation, physicochemical variation, residue mobility, and thermodynamic stability) indicates that this missense variant is expected to disrupt CAPN3 protein function with a positive predictive value of 95%. This variant disrupts the p.Arg49 amino acid residue in CAPN3. Other variant(s) that disrupt this residue have been determined to be pathogenic (PMID: 18055493, 18334579, 19285864, 19556129). This suggests that this residue is clinically significant, and that variants that disrupt this residue are likely to be disease-causing. For these reasons, this variant has been classified as Pathogenic.

Genomic Medicine Center of Excellence, King Faisal Specialist Hospital and Research Centre
Classification: Pathogenic for Autosomal recessive limb-girdle muscular dystrophy type 2A. Last evaluated: 2025-09-10. Review status: criteria provided, single submitter. Criteria: ACMG Guidelines, 2015. Collection method: clinical testing. Allele origin: germline. Not counted in ClinVar's aggregate classification.

3billion
Classification: Likely pathogenic for Autosomal recessive limb-girdle muscular dystrophy type 2A. Last evaluated: 2025-01-08. Review status: criteria provided, single submitter. Criteria: ACMG Guidelines, 2015. Collection method: clinical testing. Allele origin: germline. Affected: yes. Not counted in ClinVar's aggregate classification.
Comment: The variant is observed at an extremely low frequency in the gnomAD v4.1.0 dataset (total allele frequency: <0.001%). Predicted Consequence/Location: Missense variant In silico tool predictions suggest damaging effect of the variant on gene or gene product [REVEL: 0.77 (>=0.6, sensitivity 0.68 and specificity 0.92); 3Cnet: 0.97 (>=0.6, sensitivity 0.72 and precision 0.9)]. The same nucleotide change resulting in the same amino acid change has been previously reported as pathogenic/likely pathogenic with strong evidence (ClinVar ID: VCV000217151 /PMID: 14981715 /3billion dataset). A different missense change at the same codon (p.Arg49Cys) has been reported as pathogenic/likely pathogenic with strong evidence (ClinVar ID: VCV000193037 /PMID: 18055493). Therefore, this variant is classified as Likely pathogenic according to the recommendation of ACMG/AMP guideline.

Athena Diagnostics
Classification: Pathogenic. Last evaluated: 2024-05-22. Review status: criteria provided, single submitter. Criteria: Athena Diagnostics Criteria. Collection method: clinical testing. Allele origin: unknown. Not counted in ClinVar's aggregate classification.
Comment: This variant has not been reported in large, multi-ethnic general populations. CAPN3 protein was found to be absent or significantly reduced in samples taken from multiple individuals carrying this variant (PMID: 16650086,19364062). In multiple individuals, this variant has been seen with a single recessive pathogenic variant in the same gene, suggesting this variant may also be pathogenic. At least one other missense variant at this codon is considered to be pathogenic or likely pathogenic, suggesting this variant may also cause disease.

Baylor Genetics
Classification: Pathogenic for Muscular dystrophy, limb-girdle, autosomal dominant 4. Last evaluated: 2023-11-29. Review status: criteria provided, single submitter. Criteria: ACMG Guidelines, 2015. Collection method: clinical testing. Allele origin: unknown. Not counted in ClinVar's aggregate classification.

Women's Health and Genetics/Laboratory Corporation of America, LabCorp
Classification: Pathogenic for Autosomal recessive limb-girdle muscular dystrophy. Last evaluated: 2023-08-10. Review status: criteria provided, single submitter. Criteria: LabCorp Variant Classification Summary - May 2015. Collection method: clinical testing. Allele origin: germline. Not counted in ClinVar's aggregate classification.
Comment: Variant summary: CAPN3 c.146G>A (p.Arg49His) results in a non-conservative amino acid change in the encoded protein sequence. Four of five in-silico tools predict a damaging effect of the variant on protein function. The variant was absent in 251372 control chromosomes (gnomAD). c.146G>A has been reported in the literature in multiple individuals affected with Limb-Girdle Muscular Dystrophy, Autosomal Recessive (examples: Krahn_2007, Monies-2016, Saat_2021, and Ozyilmaz_2022). These data indicate that the variant is very likely to be associated with disease. The following publications have been ascertained in the context of this evaluation (PMID: 35157181, 27671536, 33963534, 16650086). Seven submitters have cited clinical-significance assessments for this variant to ClinVar after 2014. All submitters classified the variant as pathogenic/likely pathogenic. Based on the evidence outlined above, the variant was classified as pathogenic.

Eurofins-Biomnis
Classification: Likely pathogenic for Autosomal recessive limb-girdle muscular dystrophy type 2A. Last evaluated: 2022-10-20. Review status: criteria provided, single submitter. Criteria: Accession Criteria ClinVar Biomnis. Collection method: clinical testing. Allele origin: germline. Affected: yes. Observed: 1 heterozygote. Not counted in ClinVar's aggregate classification.

NM_000070.3(CAPN3):c.146G>A (p.Arg49His)

Gene: CAPN3 (calpain 3; plus strand). Cytogenetic location: 15q15.1.
Variant type: single nucleotide variant.
Coding change: c.146G>A on transcript NM_000070.3 (MANE Select); coding-DNA position 146, G replaced by A.
Protein change: p.Arg49His; replaces arginine 49 with histidine.
Molecular consequence: missense variant.
Genome position (GRCh38, 1-based): chr15:42,359,951, G>A. VCF-style: chr15-42359951-G-A. GRCh37 (hg19) VCF-style: chr15-42652149-G-A.
Other names: NM_000070.3(CAPN3):c.146G>A; c.146G>A, p.Arg49His (NM_024344.2, NM_173087.2); short protein forms R49H.
Identifiers: ClinVar variation 217151 (VCV000217151.43), dbSNP rs863224958, ClinGen allele CA347493.